The following is an entry in ClinVar:

NM_005186.4(CAPN1):c.929+2T>A

Gene: CAPN1 (calpain 1; plus strand). Cytogenetic location: 11q13.1.
Variant type: single nucleotide variant.
Coding change: c.929+2T>A on transcript NM_005186.4 (MANE Select); the canonical splice donor site of the intron after coding-DNA position 929, T replaced by A.
Molecular consequence: splice donor variant.
Genome position (GRCh38, 1-based): chr11:65,188,042, T>A. VCF-style: chr11-65188042-T-A. GRCh37 (hg19) VCF-style: chr11-64955513-T-A.
Other names: c.929+2T>A (NM_001198868.2, NM_001198869.2).
Identifiers: ClinVar variation 1029241 (VCV001029241.2), dbSNP rs1356340954, ClinGen allele CA381247391.
Genomic context (GRCh38, chr11:65,188,042, plus strand): 5'-CTGATCCGGATGCGGAACCCCTGGGGCGAGGTGGAGTGGACGGGAGCCTGGAGCGACAGG[T>A]GAGGGGCAGTGGGCACTGTCTGGAGTGCCTTGGGGAAACTGTTAGGTGCCCCGACATTTC-3'

ClinVar aggregate classification (germline): Likely pathogenic. Review status: criteria provided, multiple submitters, no conflicts (2 of 4 stars). 2 submissions from 2 submitters: Likely pathogenic (2). Last evaluated 2024-03-29.

Conditions:
Autosomal recessive spastic paraplegia type 76. Identifiers: Orphanet 488594, MedGen C5567483, MONDO:0014827, OMIM 616907.

Allele frequency attached by ClinVar (database versions not stated): gnomAD exomes below 0.00001 and 0.00001; TOPMed 0.00002; gnomAD 0.00003 and 0.00004.
gnomAD v4.1: 10 of 1,550,974 alleles (0.00064%); highest among the groups gnomAD compares: African/African-American, 0.012%; no homozygotes.

Submissions (2):

Genomic Medicine Center of Excellence, King Faisal Specialist Hospital and Research Centre
Classification: Likely pathogenic for Autosomal recessive spastic paraplegia type 76. Last evaluated: 2024-03-29. Review status: criteria provided, single submitter. Criteria: ACMG Guidelines, 2015. Collection method: clinical testing. Allele origin: germline.

Baylor Genetics
Classification: Likely pathogenic for Autosomal recessive spastic paraplegia type 76. Last evaluated: 2020-01-23. Review status: criteria provided, single submitter. Criteria: ACMG Guidelines, 2015. Collection method: clinical testing. Allele origin: unknown. Affected: yes.
Comment: This variant was determined to be likely pathogenic according to ACMG Guidelines, 2015 [PMID:25741868].